The following is an entry in ClinVar:

NM_000179.3(MSH6):c.3996_3999dup (p.Arg1334fs)

Gene: MSH6 (mutS homolog 6; plus strand). Cytogenetic location: 2p16.3.
Variant type: Duplication.
Coding change: c.3996_3999dup on transcript NM_000179.3 (MANE Select); coding-DNA positions 3996 to 3999, 4 bases duplicated (ATTT; older notation c.3996_3999dupATTT).
Protein change: p.Arg1334fs; shifts the reading frame from arginine 1334.
Molecular consequence: frameshift variant.
Genome position (GRCh38, 1-based): chr2:47,806,646-47,806,649, ATTT duplicated; duplicating any 4 consecutive bases within chr2:47,806,644-47,806,649 gives the same sequence; the c. name uses the placement nearest the transcript's 3' end. VCF-style (leftmost placement, unchanged base first): chr2-47806643-A-ATTAT. GRCh37 (hg19) VCF-style: chr2-48033782-A-ATTAT.
Other names: c.3996_3999dupATTT (NM_000179.2); c.3606_3609dup, p.Arg1204fs (NM_001281492.2); c.3090_3093dup, p.Arg1032fs (NM_001281493.2, NM_001281494.2); short protein forms R1032fs, R1204fs, R1334fs.
Identifiers: ClinVar variation 525790 (VCV000525790.23), dbSNP rs1553333753, ClinGen allele CA658795761.

ClinVar aggregate classification (germline): Conflicting classifications of pathogenicity. Review status: criteria provided, conflicting classifications (1 of 4 stars). 8 submissions from 8 submitters: Pathogenic (3); Likely pathogenic (4); Uncertain significance (1). Last evaluated 2026-03-24.

Conditions:
Lynch syndrome 5 (LYNCH5). Also called: Colorectal cancer, hereditary nonpolyposis, type 5; Hereditary non-polyposis colorectal cancer, type 5. Identifiers: Orphanet 144, MedGen C1833477, MONDO:0013710, OMIM 614350. Disease mechanism: loss of function.
Hereditary nonpolyposis colorectal neoplasms. Identifiers: MedGen C0009405, MeSH D003123.
Endometrial carcinoma. Also called: Endometrial carcinoma, somatic. Identifiers: MedGen C0476089, MONDO:0002447, OMIM 608089, HP:0012114.
Hereditary cancer-predisposing syndrome. Also called: Neoplastic Syndromes, Hereditary; Tumor predisposition; Hereditary Cancer Syndrome; Hereditary neoplastic syndrome. Identifiers: Orphanet 140162, MedGen C0027672, MeSH D009386, MONDO:0015356.

Submissions (8):

GeneDx
Classification: Pathogenic. Last evaluated: 2026-03-24. Review status: criteria provided, single submitter. Criteria: GeneDx Variant Classification Process June 2021. Collection method: clinical testing. Allele origin: germline.
Comment: Observed in a patient with neuroendocrine neoplasms in published literature (PMID: 36947458); Frameshift variant predicted to result in protein truncation in a gene for which loss of function is a known mechanism of disease; Truncating variants in this gene are considered pathogenic by a well-established clinical consortium and/or database; Not observed at significant frequency in large population cohorts (gnomAD); This variant is associated with the following publications: (PMID: 31589614, 12019211, 17531815, 21120944, 36947458)

Labcorp Genetics (formerly Invitae), Labcorp
Classification: Pathogenic for Hereditary nonpolyposis colorectal neoplasms. Last evaluated: 2024-05-13. Review status: criteria provided, single submitter. Criteria: Invitae Variant Classification Sherloc (09022015). Collection method: clinical testing. Allele origin: germline.
Comment: This sequence change creates a premature translational stop signal (p.Arg1334Ilefs*8) in the MSH6 gene. While this is not anticipated to result in nonsense mediated decay, it is expected to disrupt the last 27 amino acid(s) of the MSH6 protein. This variant is not present in population databases (gnomAD no frequency). This variant has not been reported in the literature in individuals affected with MSH6-related conditions. ClinVar contains an entry for this variant (Variation ID: 525790). This variant disrupts a region of the MSH6 protein in which other variant(s) (p.Arg1334Serfs*7) have been determined to be pathogenic (Invitae; external communication). This suggests that this is a clinically significant region of the protein, and that variants that disrupt it are likely to be disease-causing. For these reasons, this variant has been classified as Pathogenic.

Myriad Genetics, Inc.
Classification: Pathogenic for Lynch syndrome 5. Last evaluated: 2023-08-29. Review status: criteria provided, single submitter. Criteria: Myriad Autosomal Dominant, Autosomal Recessive and X-Linked Classification Criteria (2023). Collection method: clinical testing. Allele origin: unknown.
Comment: This variant is considered pathogenic. This variant creates a frameshift predicted to result in premature protein truncation.

Baylor Genetics
Classification: Likely pathogenic for Endometrial carcinoma. Last evaluated: 2021-02-09. Review status: criteria provided, single submitter. Criteria: ACMG Guidelines, 2015. Collection method: clinical testing. Allele origin: unknown.

Quest Diagnostics Nichols Institute San Juan Capistrano
Classification: Likely pathogenic. Last evaluated: 2020-10-15. Review status: criteria provided, single submitter. Criteria: Quest Diagnostics criteria. Collection method: clinical testing. Allele origin: unknown.
Comment: This frameshift variant is predicted to cause the premature termination of MSH6 protein synthesis. To the best of our knowledge, the variant has not been reported in the published literature. However, other truncating variants located at nearby nucleotide positions have been reported in individuals with a Lynch Syndrome associated cancer (PMID 21155762 (2011), 19851887 (2010)). Based on the available information, we predict that the variant is likely pathogenic.

Color Diagnostics, LLC DBA Color Health
Classification: Likely pathogenic for Hereditary cancer-predisposing syndrome. Last evaluated: 2020-01-15. Review status: criteria provided, single submitter. Criteria: ACMG Guidelines, 2015. Collection method: clinical testing. Allele origin: germline.
Comment: This variant inserts 4 nucleotides in exon 9 of the MSH6 gene, creating a frameshift and premature translation stop signal. This variant is expected to result in an absent or non-functional protein product. This variant has not been identified in the general population by the Genome Aggregation Database (gnomAD). Loss of MSH6 function is a known mechanism of disease. Based on the available evidence, this variant is classified as Likely Pathogenic.

Ambry Genetics
Classification: Uncertain significance for Hereditary cancer-predisposing syndrome. Last evaluated: 2019-09-05. Review status: criteria provided, single submitter. Criteria: Ambry Variant Classification Scheme 2023. Collection method: clinical testing. Allele origin: germline.
Comment: The c.3996_3999dupATTT variant, located in coding exon 9 of the MSH6 gene, results from a duplication of ATTT at nucleotide position 3996, causing a translational frameshift with a predicted alternate stop codon (p.R1334Ifs*8). Premature stop codons are typically deleterious in nature, however, this stop codon occurs at the 3' terminus of MSH6, is not expected to trigger nonsense-mediated mRNA decay, and impacts only the last 19 amino acids of the protein. The exact functional impact of these removed amino acids is unknown at this time. This nucleotide region is well conserved in available vertebrate species. Since supporting evidence is limited at this time, the clinical significance of this alteration remains unclear.

Mendelics
Classification: Likely pathogenic for Lynch syndrome 5. Last evaluated: 2019-05-28. Review status: criteria provided, single submitter. Criteria: Mendelics Assertion Criteria 2017. Collection method: clinical testing. Allele origin: unknown.